The following is an entry in ClinVar:

NM_001267550.2(TTN):c.489dup (p.Ala164fs)

Gene: TTN (titin; minus strand). Cytogenetic location: 2q31.2.
Variant type: Duplication.
Coding change: c.489dup on transcript NM_001267550.2 (MANE Select); coding-DNA position 489, one base duplicated (T; older notation c.489dupT).
Protein change: p.Ala164fs; shifts the reading frame from alanine 164.
Molecular consequence: frameshift variant.
Genome position (GRCh38, 1-based): chr2:178,800,489, A duplicated on the plus strand (T on the coding strand, the reverse complement: TTN is on the minus strand); the first of 2 consecutive A bases (chr2:178,800,489-178,800,490); duplicating either gives the same sequence. VCF-style (leftmost placement, unchanged base first): chr2-178800488-C-CA. GRCh37 (hg19) VCF-style: chr2-179665215-C-CA.
Other names: c.489dup, p.Ala164fs (NM_001256850.1, NM_003319.4, NM_133378.4 and 3 more transcripts); short protein forms A164fs.
Identifiers: ClinVar variation 811769 (VCV000811769.15), dbSNP rs1574990483, ClinGen allele CA915942235.

ClinVar aggregate classification (germline): Likely pathogenic (1 of 4 stars; one submission).

Conditions:
Dilated cardiomyopathy 1G (CMD1G). Identifiers: Orphanet 154, MedGen C1858763, MONDO:0011400, OMIM 604145.
Autosomal recessive limb-girdle muscular dystrophy type 2J (LGMDR10). Also called: Limb-girdle muscular dystrophy, type 2J; MUSCULAR DYSTROPHY, LIMB-GIRDLE, AUTOSOMAL RECESSIVE 10. Identifiers: Orphanet 140922, MedGen C1837342, MONDO:0012127, OMIM 608807.

Submission:

Labcorp Genetics (formerly Invitae), Labcorp
Classification: Likely pathogenic for Dilated cardiomyopathy 1G; Autosomal recessive limb-girdle muscular dystrophy type 2J. Last evaluated: 2025-08-25. Review status: criteria provided, single submitter. Criteria: Invitae Variant Classification Sherloc (09022015). Collection method: clinical testing. Allele origin: germline.
Comment: This sequence change creates a premature translational stop signal (p.Ala164Cysfs*6) in the TTN gene. While this is not anticipated to result in nonsense mediated decay, it is expected to create a truncated TTN protein. This variant is not present in population databases (gnomAD no frequency). This variant has not been reported in the literature in individuals affected with TTN-related conditions. ClinVar contains an entry for this variant (Variation ID: 811769). This variant is located in the Z band of TTN (PMID: 25589632). Truncating variants in this region have been reported in individuals affected with autosomal recessive centronuclear myopathy (PMID: 33449170, internal data). Truncating variants in this region have also been identified in individuals affected with autosomal dominant dilated cardiomyopathy and/or cardio-related conditions (PMID: 27869827, 32964742, internal data). In summary, the currently available evidence indicates that the variant is pathogenic, but additional data are needed to prove that conclusively. Therefore, this variant has been classified as Likely Pathogenic.

Literature cited by the submitters: PubMed 25589632 (cited by Labcorp Genetics (formerly Invitae), Labcorp); PubMed 33449170 (cited by Labcorp Genetics (formerly Invitae), Labcorp); PubMed 27869827 (cited by Labcorp Genetics (formerly Invitae), Labcorp); PubMed 32964742 (cited by Labcorp Genetics (formerly Invitae), Labcorp).